The following is an entry in ClinVar:

ClinVar aggregate classification (germline): Uncertain significance. Review status: criteria provided, multiple submitters, no conflicts (2 of 4 stars). 3 submissions from 3 submitters: Uncertain significance (3). Last evaluated 2024-08-28.

Conditions:
Inborn genetic diseases. Identifiers: MedGen C0950123, MeSH D030342.
Brachydactyly type B1 (BDB1). Identifiers: Orphanet 572385, Orphanet 93383, MedGen C1862112, MONDO:0007220, OMIM 113000.
Autosomal recessive Robinow syndrome (RRS1). Also called: ROBINOW SYNDROME, AUTOSOMAL RECESSIVE 1; ROR2-Related Robinow Syndrome; COSTOVERTEBRAL SEGMENTATION DEFECT WITH MESOMELIA; COVESDEM SYNDROME. Identifiers: Orphanet 1507, Orphanet 97360, MedGen C5399974, MONDO:0009999, OMIM 268310.

Allele frequency attached by ClinVar (database versions not stated): gnomAD exomes below 0.00001 and 0.00002; ExAC 0.00001; gnomAD 0.00003 and 0.00004; ESP Exome Variant Server 0.00008.

Submissions (3):

Ambry Genetics
Classification: Uncertain significance for Inborn genetic diseases. Last evaluated: 2024-08-28. Review status: criteria provided, single submitter. Criteria: Ambry Variant Classification Scheme 2023. Collection method: clinical testing. Allele origin: germline.

Labcorp Genetics (formerly Invitae), Labcorp
Classification: Uncertain significance. Last evaluated: 2024-05-23. Review status: criteria provided, single submitter. Criteria: Invitae Variant Classification Sherloc (09022015). Collection method: clinical testing. Allele origin: germline.
Comment: This sequence change replaces arginine, which is basic and polar, with glutamine, which is neutral and polar, at codon 518 of the ROR2 protein (p.Arg518Gln). This variant is present in population databases (rs373544528, gnomAD 0.005%). This variant has not been reported in the literature in individuals affected with ROR2-related conditions. ClinVar contains an entry for this variant (Variation ID: 1436175). Advanced modeling of protein sequence and biophysical properties (such as structural, functional, and spatial information, amino acid conservation, physicochemical variation, residue mobility, and thermodynamic stability) performed at Invitae indicates that this missense variant is not expected to disrupt ROR2 protein function with a negative predictive value of 80%. In summary, the available evidence is currently insufficient to determine the role of this variant in disease. Therefore, it has been classified as a Variant of Uncertain Significance.

Fulgent Genetics
Classification: Uncertain significance for Brachydactyly type B1; Autosomal recessive Robinow syndrome. Last evaluated: 2021-12-21. Review status: criteria provided, single submitter. Criteria: ACMG Guidelines, 2015. Collection method: clinical testing. Allele origin: unknown.

NM_004560.4(ROR2):c.1553G>A (p.Arg518Gln)

Gene: ROR2 (receptor tyrosine kinase like orphan receptor 2; minus strand). Cytogenetic location: 9q22.31.
Variant type: single nucleotide variant.
Coding change: c.1553G>A on transcript NM_004560.4 (MANE Select); coding-DNA position 1553, G replaced by A.
Protein change: p.Arg518Gln; replaces arginine 518 with glutamine.
Molecular consequence: missense variant.
Genome position (GRCh38, 1-based): chr9:91,724,941, C>T on the plus strand (G>A on the coding strand, the complement: ROR2 is on the minus strand). VCF-style: chr9-91724941-C-T. GRCh37 (hg19) VCF-style: chr9-94487223-C-T.
Other names: c.1553G>A (NM_004560.3); short protein forms R518Q.
Identifiers: ClinVar variation 1436175 (VCV001436175.8), dbSNP rs373544528, ClinGen allele CA5120655.